The following is an entry in ClinVar:

ClinVar aggregate classification (germline): Conflicting classifications of pathogenicity. Review status: criteria provided, conflicting classifications (1 of 4 stars). 5 submissions from 5 submitters: Uncertain significance (4); Likely benign (1). Last evaluated 2026-05-12.

Conditions:
Patterned macular dystrophy 2. Identifiers: Orphanet 99001, MedGen C1837029, MONDO:0012162, OMIM 608970.
CTNNA1-related disorder. Also called: CTNNA1-related condition.
Hereditary cancer-predisposing syndrome. Also called: Neoplastic Syndromes, Hereditary; Tumor predisposition; Hereditary neoplastic syndrome; Hereditary Cancer Syndrome. Identifiers: Orphanet 140162, MedGen C0027672, MeSH D009386, MONDO:0015356.

Allele frequency attached by ClinVar (database versions not stated): gnomAD exomes 0.00001 and 0.00003; ExAC 0.00002; gnomAD 0.00003; TOPMed 0.00006.

Submissions (5):

PreventionGenetics, part of Exact Sciences
Classification: Uncertain significance for CTNNA1-related condition. Last evaluated: 2026-05-12. Review status: criteria provided, single submitter. Criteria: ACMG Guidelines, 2015. Collection method: clinical testing. Allele origin: germline.
Comment: The CTNNA1 c.430A>G variant is predicted to result in the amino acid substitution p.Met144Val. This variant has been reported in a cohort of individuals affected with gastric or breast cancer (Clark et al. 2020. PubMed ID: 32051609). This variant is reported in 0.023% of alleles in individuals of Latino descent in gnomAD and has conflicting interpretations in ClinVar ranging from likely benign to uncertain (Variation ID: 650023). Although we suspect that this variant may be benign, at this time, the clinical significance of this variant is uncertain due to the absence of conclusive functional and genetic evidence.

Labcorp Genetics (formerly Invitae), Labcorp
Classification: Uncertain significance. Last evaluated: 2025-12-03. Review status: criteria provided, single submitter. Criteria: Invitae Variant Classification Sherloc (09022015). Collection method: clinical testing. Allele origin: germline.
Comment: This sequence change replaces methionine, which is neutral and non-polar, with valine, which is neutral and non-polar, at codon 144 of the CTNNA1 protein (p.Met144Val). This variant is present in population databases (rs748930609, gnomAD 0.02%). This missense change has been observed in individual(s) with clinical features of retinal dystrophy (internal data). ClinVar contains an entry for this variant (Variation ID: 650023). Invitae Evidence Modeling of protein sequence and biophysical properties (such as structural, functional, and spatial information, amino acid conservation, physicochemical variation, residue mobility, and thermodynamic stability) indicates that this missense variant is not expected to disrupt CTNNA1 protein function with a negative predictive value of 80%. In summary, the available evidence is currently insufficient to determine the role of this variant in disease. Therefore, it has been classified as a Variant of Uncertain Significance.

GeneDx
Classification: Uncertain significance. Last evaluated: 2025-05-02. Review status: criteria provided, single submitter. Criteria: GeneDx Variant Classification Process June 2021. Collection method: clinical testing. Allele origin: germline. Affected: yes.
Comment: In silico analysis supports that this missense variant has a deleterious effect on protein structure/function; Identified in individuals referred for hereditary cancer testing (PMID: 32051609); This variant is associated with the following publications: (PMID: 27612425, 32051609)

Ambry Genetics
Classification: Likely benign for Hereditary cancer-predisposing syndrome. Last evaluated: 2024-11-20. Review status: criteria provided, single submitter. Criteria: Ambry Variant Classification Scheme 2023. Collection method: clinical testing. Allele origin: germline.

Baylor Genetics
Classification: Uncertain significance for Patterned macular dystrophy 2. Last evaluated: 2023-06-15. Review status: criteria provided, single submitter. Criteria: ACMG Guidelines, 2015. Collection method: clinical testing. Allele origin: unknown.

NM_001903.5(CTNNA1):c.430A>G (p.Met144Val)

Gene: CTNNA1 (catenin alpha 1; plus strand). Cytogenetic location: 5q31.2.
Variant type: single nucleotide variant.
Coding change: c.430A>G on transcript NM_001903.5 (MANE Select); coding-DNA position 430, A replaced by G.
Protein change: p.Met144Val; replaces methionine 144 with valine.
Molecular consequence: missense variant.
Genome position (GRCh38, 1-based): chr5:138,810,166, A>G. VCF-style: chr5-138810166-A-G. GRCh37 (hg19) VCF-style: chr5-138145855-A-G.
Other names: c.430A>G, p.Met144Val (NM_001290307.3, NM_001323982.2, NM_001323983.1 and 3 more transcripts); c.121A>G, p.Met41Val (NM_001290309.3); c.61A>G, p.Met21Val (NM_001290310.3); c.430A>G (NM_001903.4); short protein forms M144V, M21V, M41V.
Identifiers: ClinVar variation 650023 (VCV000650023.15), dbSNP rs748930609, ClinGen allele CA3431441.